The following is an entry in ClinVar:

ClinVar aggregate classification (germline): Likely benign (1 of 4 stars; one submission).

Conditions:
Familial cancer of breast. Also called: Hereditary breast cancer; hereditary breast carcinoma; BREAST CANCER, FAMILIAL. Identifiers: Orphanet 227535, MedGen C0346153, MONDO:0016419, OMIM 114480. Disease mechanism: loss of function.

Submission:

Myriad Genetics, Inc.
Classification: Likely benign for Familial cancer of breast. Last evaluated: 2025-01-21. Review status: criteria provided, single submitter. Criteria: Myriad Autosomal Dominant, Autosomal Recessive and X-Linked Classification Criteria (2023). Collection method: clinical testing. Allele origin: unknown.
Comment: This variant is considered likely benign. This variant is strongly associated with less severe personal and family histories of cancer, typical for individuals without pathogenic variants in this gene [PMID: 25085752].

Literature cited by the submitters: PubMed 25085752.

NM_024675.4(PALB2):c.2897_2901delinsCAAAG (p.Ile966Thr)

Gene: PALB2 (partner and localizer of BRCA2; minus strand). Cytogenetic location: 16p12.2.
Variant type: Indel.
Coding change: c.2897_2901delinsCAAAG on transcript NM_024675.4 (MANE Select); coding-DNA positions 2897 to 2901, TAAAA replaced by CAAAG.
Protein change: p.Ile966Thr; replaces isoleucine 966 with threonine.
Molecular consequence: missense variant. On other transcripts: intron variant (1).
Genome position (GRCh38, 1-based): chr16:23,623,064-23,623,068, TTTTA replaced by CTTTG on the plus strand (TAAAA replaced by CAAAG on the coding strand, the reverse complement: PALB2 is on the minus strand). VCF-style: chr16-23623064-TTTTA-CTTTG. GRCh37 (hg19) VCF-style: chr16-23634385-TTTTA-CTTTG.
Other names: c.2837_2841delinsCAAAG, p.Ile946Thr (NM_001407296.1); c.2825_2829delinsCAAAG, p.Ile942Thr (NM_001407297.1); c.2735_2739delinsCAAAG, p.Ile912Thr (NM_001407298.1, NM_001407302.1); c.2897_2901delinsCAAAG, p.Ile966Thr (NM_001407299.1, NM_001407301.1); c.2012_2016delinsCAAAG, p.Ile671Thr (NM_001407304.1, NM_001407305.1, NM_001407306.1 and 4 more transcripts); c.1850_1854delinsCAAAG, p.Ile617Thr (NM_001407307.1); c.1109_1113delinsCAAAG, p.Ile370Thr (NM_001407312.1, NM_001407313.1); c.431_435delinsCAAAG, p.Ile144Thr (NM_001407314.1); and 1 more; short protein forms I144T, I370T, I617T, I671T, I912T, I942T, I946T, I966T.
Identifiers: ClinVar variation 3904553 (VCV003904553.1).